The following is an entry in ClinVar:

ClinVar aggregate classification (germline): Likely pathogenic (1 of 4 stars; one submission).

Allele frequency attached by ClinVar (database versions not stated): gnomAD 0.00001; TOPMed 0.00002.
gnomAD v4.1: 38 of 1,598,388 alleles (0.0024%); highest among the groups gnomAD compares: Non-Finnish European, 0.0029%; no homozygotes.

Submission:

CeGaT Center for Human Genetics Tuebingen
Classification: Likely pathogenic. Last evaluated: 2023-06-01. Review status: criteria provided, single submitter. Criteria: CeGaT Center For Human Genetics Tuebingen Variant Classification Criteria Version 2. Collection method: clinical testing. Allele origin: germline. Affected: yes. Observed: 2 variant alleles.
Comment: MLIP: PM2, PM3, PVS1:Moderate

NM_001281747.2(MLIP):c.2589+1G>A

Gene: MLIP (muscular LMNA interacting protein; plus strand). Cytogenetic location: 6p12.1.
Variant type: single nucleotide variant.
Coding change: c.2589+1G>A on transcript NM_001281747.2 (MANE Select); the canonical splice donor site of the intron after coding-DNA position 2589, G replaced by A.
Molecular consequence: splice donor variant.
Genome position (GRCh38, 1-based): chr6:54,189,915, G>A. VCF-style: chr6-54189915-G-A. GRCh37 (hg19) VCF-style: chr6-54054713-G-A.
Other names: c.984+1G>A (NM_138569.3); c.2556+1G>A (NM_001281746.2).
Identifiers: ClinVar variation 2571252 (VCV002571252.27), dbSNP rs777377431, ClinGen allele CA3861909.